The following is an entry in ClinVar:

ClinVar aggregate classification (germline): Benign. Review status: criteria provided, multiple submitters, no conflicts (2 of 4 stars). 2 submissions from 2 submitters: Benign (2). Last evaluated 2018-06-14.

Allele frequency attached by ClinVar (database versions not stated): 1000 Genomes Project 0.11681; 1000 Genomes Project 30x 0.12071; gnomAD 0.12389 and 0.12790; TOPMed 0.13132.
gnomAD v4.1: 59,589 of 678,846 alleles (8.8%); highest among the groups gnomAD compares: African/African-American, 26%; 3,698 homozygotes.

Submissions (2):

GeneDx
Classification: Benign. Last evaluated: 2018-06-14. Review status: criteria provided, single submitter. Criteria: GeneDx Variant Classification (06012015). Collection method: clinical testing. Allele origin: germline. Affected: yes.
Comment: This variant is considered likely benign or benign based on one or more of the following criteria: it is a conservative change, it occurs at a poorly conserved position in the protein, it is predicted to be benign by multiple in silico algorithms, and/or has population frequency not consistent with disease.

Breakthrough Genomics
Classification: Benign. Review status: criteria provided, single submitter. Criteria: ACMG Guidelines, 2015. Collection method: not provided. Allele origin: germline. Inheritance: Autosomal recessive inheritance. Affected: yes.

NM_001136193.2(FASTKD2):c.1898+143A>G

Gene: FASTKD2 (FAST kinase domains 2; plus strand). Cytogenetic location: 2q33.3.
Variant type: single nucleotide variant.
Coding change: c.1898+143A>G on transcript NM_001136193.2 (MANE Select); 143 bases into the intron after coding-DNA position 1898, A replaced by G.
Molecular consequence: intron variant.
Genome position (GRCh38, 1-based): chr2:206,789,046, A>G. VCF-style: chr2-206789046-A-G. GRCh37 (hg19) VCF-style: chr2-207653770-A-G.
Other names: c.1898+143A>G (NM_001136194.2, NM_014929.4).
Identifiers: ClinVar variation 676123 (VCV000676123.2), dbSNP rs57475447, ClinGen allele CA11344109.